The following is an entry in ClinVar:

NM_001035.3(RYR2):c.11963-9T>C

Gene: RYR2 (ryanodine receptor 2; plus strand). Cytogenetic location: 1q43.
Variant type: single nucleotide variant.
Coding change: c.11963-9T>C on transcript NM_001035.3 (MANE Select); 9 bases into the intron before coding-DNA position 11963, T replaced by C.
Molecular consequence: intron variant.
Genome position (GRCh38, 1-based): chr1:237,783,666, T>C. VCF-style: chr1-237783666-T-C. GRCh37 (hg19) VCF-style: chr1-237946966-T-C.
Identifiers: ClinVar variation 922182 (VCV000922182.8), dbSNP rs113583794, ClinGen allele CA39826901.

ClinVar aggregate classification (germline): Likely benign. Review status: criteria provided, multiple submitters, no conflicts (2 of 4 stars). 4 submissions from 4 submitters: Likely benign (4). Last evaluated 2025-02-05.

Conditions:
Cardiomyopathy (CMYO). Also called: Cardiomyopathies. Identifiers: Orphanet 167848, MedGen C0878544, MONDO:0004994, HP:0001638. Inheritance: Various modes of inheritance.
Catecholaminergic polymorphic ventricular tachycardia (CVPT). Also called: Catecholamine-induced polymorphic ventricular tachycardia. Identifiers: Orphanet 3286, MedGen C5574922, MONDO:0017990.
Catecholaminergic polymorphic ventricular tachycardia 1. Also called: RYR2-Related Catecholaminergic Polymorphic Ventricular Tachycardia; VENTRICULAR TACHYCARDIA, STRESS-INDUCED POLYMORPHIC 1; VENTRICULAR TACHYCARDIA, CATECHOLAMINERGIC POLYMORPHIC, 1, WITH OR WITHOUT ATRIAL DYSFUNCTION AND/OR DILATED CARDIOMYOPATHY. Identifiers: Orphanet 3286, MedGen C1631597, MONDO:0011484, OMIM 604772.

Allele frequency attached by ClinVar (database versions not stated): gnomAD 0.00001 and 0.00003; TOPMed 0.00002.
gnomAD v4.1: 20 of 1,572,682 alleles (0.0013%); highest among the groups gnomAD compares: African/African-American, 0.018%; no homozygotes.

Submissions (4):

Labcorp Genetics (formerly Invitae), Labcorp
Classification: Likely benign for Catecholaminergic polymorphic ventricular tachycardia 1. Last evaluated: 2025-02-05. Review status: criteria provided, single submitter. Criteria: Invitae Variant Classification Sherloc (09022015). Collection method: clinical testing. Allele origin: germline.

All of Us Research Program, National Institutes of Health
Classification: Likely benign for Catecholaminergic polymorphic ventricular tachycardia. Last evaluated: 2023-05-31. Review status: criteria provided, single submitter. Criteria: ACMG Guidelines, 2015. Collection method: clinical testing. Allele origin: germline. Inheritance: Autosomal dominant inheritance. Observed: 2 variant alleles, 2 heterozygotes.
Comment: This study involves interpretation of variants in research participants for the purpose of population health screening. Participant phenotype was not available at the time of variant classification. Additional details can be found in publication PMID: 35346344, PMCID: PMC8962531

Blueprint Genetics
Classification: Likely benign. Last evaluated: 2021-09-17. Review status: criteria provided, single submitter. Criteria: ACMG Guidelines, 2015. Collection method: clinical testing. Allele origin: germline.

Color Diagnostics, LLC DBA Color Health
Classification: Likely benign for Cardiomyopathy. Last evaluated: 2018-11-23. Review status: criteria provided, single submitter. Criteria: ACMG Guidelines, 2015. Collection method: clinical testing. Allele origin: germline.